The following is an entry in ClinVar:

ClinVar aggregate classification (germline): Pathogenic (1 of 4 stars; one submission).

Conditions:
Polycystic kidney disease, adult type (PKD1). Also called: POLYCYSTIC KIDNEY DISEASE, ADULT, TYPE I; Polycystic Kidney Disease 1, Autosomal Dominant; Polycystic kidney disease 1; Polycystic kidney disease 1, severe; Polycystic Kidney, Autosomal Dominant; POLYCYSTIC KIDNEY DISEASE 1 WITH OR WITHOUT POLYCYSTIC LIVER DISEASE. Identifiers: MedGen C3149841, MONDO:0008263, OMIM 173900.

Submission:

Juno Genomics, Hangzhou Juno Genomics, Inc
Classification: Pathogenic for Polycystic kidney disease, adult type. Review status: criteria provided, single submitter. Criteria: ACMG Guidelines, 2015. Collection method: clinical testing. Allele origin: germline. Affected: yes.
Comment: Absent from controls (or at extremely low frequency if recessive) in Genome Aggregation Database, Exome Sequencing Project, 1000 Genomes Project, or Exome Aggregation Consortium.;The prevalence of the variant in affected individuals is significantly increased compared to the prevalence in controls.;Null variant in a gene where loss of function (LOF) is a known mechanism of disease.

NM_001009944.3(PKD1):c.10232G>A (p.Trp3411Ter)

Gene: PKD1 (polycystin 1, transient receptor potential channel interacting; minus strand). Cytogenetic location: 16p13.3.
Variant type: single nucleotide variant.
Coding change: c.10232G>A on transcript NM_001009944.3 (MANE Select); coding-DNA position 10232, G replaced by A.
Protein change: p.Trp3411Ter; replaces tryptophan 3411 with a stop codon.
Molecular consequence: nonsense.
Genome position (GRCh38, 1-based): chr16:2,097,492, C>T on the plus strand (G>A on the coding strand, the complement: PKD1 is on the minus strand). VCF-style: chr16-2097492-C-T. GRCh37 (hg19) VCF-style: chr16-2147493-C-T.
Other names: c.10229G>A, p.Trp3410Ter (NM_000296.4); short protein forms W3410*, W3411*.
Identifiers: ClinVar variation 3383092 (VCV003383092.2).
Genomic context (GRCh38, chr16:2,097,492, plus strand): 5'-CCCACAATGGACGGGTCACTGAGCAGGTCCGGCCAACTGAGCGTTCCCTCGCCGGAGGGC[C>T]AGCACACCAGACTGCAGGTGGCGCGGGTCAGCAAGGTACCAGGGGATGTGTCACACACAC-3'